The following is an entry in ClinVar:

ClinVar aggregate classification (germline): Benign/Likely benign. Review status: criteria provided, multiple submitters, no conflicts (2 of 4 stars). 4 submissions from 4 submitters: Benign (1); Likely benign (3). Last evaluated 2024-11-18.

Conditions:
ALMS1-related disorder. Also called: ALMS1-related condition.
Cardiovascular phenotype. Identifiers: MedGen CN230736.
Alstrom syndrome (ALMS). Identifiers: Orphanet 64, MedGen C0268425, MONDO:0008763, OMIM 203800.

Allele frequency attached by ClinVar (database versions not stated): TOPMed 0.00001; ExAC 0.00002; gnomAD exomes 0.00002.
gnomAD v4.1: 33 of 1,614,166 alleles (0.002%); highest among the groups gnomAD compares: Non-Finnish European, 0.0025%; no homozygotes.

Submissions (4):

Labcorp Genetics (formerly Invitae), Labcorp
Classification: Likely benign for Alstrom syndrome. Last evaluated: 2024-11-18. Review status: criteria provided, single submitter. Criteria: Invitae Variant Classification Sherloc (09022015). Collection method: clinical testing. Allele origin: germline.

Blueprint Genetics
Classification: Benign. Last evaluated: 2023-02-09. Review status: criteria provided, single submitter. Criteria: ACMG Guidelines, 2015. Collection method: clinical testing. Allele origin: germline.

PreventionGenetics, part of Exact Sciences
Classification: Likely benign for ALMS1-related condition. Last evaluated: 2020-11-09. Review status: criteria provided, single submitter. Criteria: ACMG Guidelines, 2015. Collection method: clinical testing. Allele origin: germline.
Comment: This variant is classified as likely benign based on ACMG/AMP sequence variant interpretation guidelines (Richards et al. 2015 PMID: 25741868, with internal and published modifications).

Ambry Genetics
Classification: Likely benign for Cardiovascular phenotype. Last evaluated: 2019-09-06. Review status: criteria provided, single submitter. Criteria: Ambry Variant Classification Scheme 2023. Collection method: clinical testing. Allele origin: germline.

NM_001378454.1(ALMS1):c.8589A>G (p.Leu2863=)

Gene: ALMS1 (ALMS1 centrosome and basal body associated protein; plus strand). Cytogenetic location: 2p13.1.
Variant type: single nucleotide variant.
Coding change: c.8589A>G on transcript NM_001378454.1 (MANE Select); coding-DNA position 8589, A replaced by G.
Protein change: p.Leu2863=; no amino-acid change (leucine 2863 retained).
Molecular consequence: synonymous variant.
Genome position (GRCh38, 1-based): chr2:73,490,548, A>G. VCF-style: chr2-73490548-A-G. GRCh37 (hg19) VCF-style: chr2-73717675-A-G.
Other names: c.8592A>G, p.Leu2864= (NM_015120.4).
Identifiers: ClinVar variation 1607642 (VCV001607642.12), dbSNP rs778918786, ClinGen allele CA1714497.